The following is an entry in ClinVar:

ClinVar aggregate classification (germline): Uncertain significance. Review status: criteria provided, multiple submitters, no conflicts (2 of 4 stars). 2 submissions from 2 submitters: Uncertain significance (2). Last evaluated 2023-12-17.

Conditions:
Epilepsy, familial adult myoclonic, 5 (EPEO5). Also called: CORTICAL MYOCLONIC TREMOR WITH EPILEPSY, FAMILIAL, 5. Identifiers: Orphanet 86814, MedGen C3809374, MONDO:0014167, OMIM 615400.

Allele frequency attached by ClinVar (database versions not stated): TOPMed 0.00001; gnomAD 0.00002; gnomAD exomes 0.00003; ExAC 0.00004.
gnomAD v4.1: 48 of 1,613,744 alleles (0.003%); highest among the groups gnomAD compares: East Asian, 0.0045%; no homozygotes.

Submissions (2):

Ambry Genetics
Classification: Uncertain significance. Last evaluated: 2023-12-17. Review status: criteria provided, single submitter. Criteria: Ambry Variant Classification Scheme 2023. Collection method: clinical testing. Allele origin: germline.

Labcorp Genetics (formerly Invitae), Labcorp
Classification: Uncertain significance for Epilepsy, familial adult myoclonic, 5. Last evaluated: 2022-09-27. Review status: criteria provided, single submitter. Criteria: Invitae Variant Classification Sherloc (09022015). Collection method: clinical testing. Allele origin: germline.
Comment: This sequence change replaces arginine, which is basic and polar, with cysteine, which is neutral and slightly polar, at codon 794 of the CNTN2 protein (p.Arg794Cys). This variant is present in population databases (rs771474325, gnomAD 0.02%). This variant has not been reported in the literature in individuals affected with CNTN2-related conditions. ClinVar contains an entry for this variant (Variation ID: 856226). Advanced modeling of protein sequence and biophysical properties (such as structural, functional, and spatial information, amino acid conservation, physicochemical variation, residue mobility, and thermodynamic stability) performed at Invitae indicates that this missense variant is not expected to disrupt CNTN2 protein function. In summary, the available evidence is currently insufficient to determine the role of this variant in disease. Therefore, it has been classified as a Variant of Uncertain Significance.

NM_005076.5(CNTN2):c.2380C>T (p.Arg794Cys)

Gene: CNTN2 (contactin 2; plus strand). Cytogenetic location: 1q32.1.
Variant type: single nucleotide variant.
Coding change: c.2380C>T on transcript NM_005076.5 (MANE Select); coding-DNA position 2380, C replaced by T.
Protein change: p.Arg794Cys; replaces arginine 794 with cysteine.
Molecular consequence: missense variant. On other transcripts: non-coding transcript variant (1).
Genome position (GRCh38, 1-based): chr1:205,070,010, C>T. VCF-style: chr1-205070010-C-T. GRCh37 (hg19) VCF-style: chr1-205039138-C-T.
Other names: c.2380C>T, p.Arg794Cys (NM_001346083.2); short protein forms R794C.
Identifiers: ClinVar variation 856226 (VCV000856226.7), dbSNP rs771474325, ClinGen allele CA1351669.